The following is an entry in ClinVar:

NM_001042492.3(NF1):c.1185+7G>A

Gene: NF1 (neurofibromin 1; plus strand). Cytogenetic location: 17q11.2.
Variant type: single nucleotide variant.
Coding change: c.1185+7G>A on transcript NM_001042492.3 (MANE Select); 7 bases into the intron after coding-DNA position 1185, G replaced by A.
Molecular consequence: intron variant.
Genome position (GRCh38, 1-based): chr17:31,201,166, G>A. VCF-style: chr17-31201166-G-A. GRCh37 (hg19) VCF-style: chr17-29528184-G-A.
Other names: c.1185+7G>A (NM_000267.4, NM_001128147.3, NM_001042492.2).
Identifiers: ClinVar variation 527679 (VCV000527679.14), dbSNP rs1322791959, ClinGen allele CA625467379.

ClinVar aggregate classification (germline): Likely benign. Review status: criteria provided, multiple submitters, no conflicts (2 of 4 stars). 4 submissions from 4 submitters: Likely benign (3). 1 of the submissions does not count toward it. Last evaluated 2026-05-11.

Conditions:
NF1-related disorder. Also called: NF1-related condition. Identifiers: MedGen CN379171.
Neurofibromatosis, familial spinal (FSNF). Identifiers: Orphanet 636, MedGen C1834235, MONDO:0008078, OMIM 162210. Disease mechanism: loss of function.
Juvenile myelomonocytic leukemia (JMML). Also called: LEUKEMIA, JUVENILE MYELOMONOCYTIC, SOMATIC. Identifiers: Orphanet 86834, MedGen C0349639, MONDO:0011908, OMIM 607785, HP:0012209.
Café-au-lait macules with pulmonary stenosis (WTSN). Also called: PULMONIC STENOSIS WITH CAFE-AU-LAIT SPOTS. Identifiers: MedGen C0553586, MONDO:0008672, OMIM 193520.
Neurofibromatosis, type 1 (NF1). Also called: Neurofibromatosis, type I; NEUROFIBROMATOSIS, TYPE I, SOMATIC; Peripheral type neurofibromatosis; VON RECKLINGHAUSEN DISEASE. Identifiers: Orphanet 636, MedGen C0027831, MONDO:0018975, OMIM 162200. Disease mechanism: loss of function.
Neurofibromatosis-Noonan syndrome (NFNS). Also called: NEUROFIBROMATOSIS WITH NOONAN PHENOTYPE. Identifiers: Orphanet 638, MedGen C2931482, MONDO:0011035, OMIM 601321. Disease mechanism: loss of function.

Allele frequency attached by ClinVar (database versions not stated): gnomAD exomes 0.00001.
gnomAD v4.1: 6 of 1,614,002 alleles (0.00037%); highest among the groups gnomAD compares: South Asian, 0.0033%; no homozygotes.

Submissions (4):

Myriad Genetics, Inc.
Classification: Likely benign for Neurofibromatosis, type 1. Last evaluated: 2026-05-11. Review status: criteria provided, single submitter. Criteria: Myriad Autosomal Dominant, Autosomal Recessive and X-Linked Classification Criteria (2023). Collection method: clinical testing. Allele origin: unknown.
Comment: This variant is considered likely benign. This variant is intronic and is not expected to impact mRNA splicing.

Labcorp Genetics (formerly Invitae), Labcorp
Classification: Likely benign for Neurofibromatosis, type 1. Last evaluated: 2026-01-06. Review status: criteria provided, single submitter. Criteria: Invitae Variant Classification Sherloc (09022015). Collection method: clinical testing. Allele origin: germline.

Fulgent Genetics
Classification: Likely benign for Neurofibromatosis, type 1; Neurofibromatosis, familial spinal; Café-au-lait macules with pulmonary stenosis; Neurofibromatosis-Noonan syndrome; Juvenile myelomonocytic leukemia. Last evaluated: 2022-05-16. Review status: criteria provided, single submitter. Criteria: ACMG Guidelines, 2015. Collection method: clinical testing. Allele origin: unknown.

PreventionGenetics, part of Exact Sciences
Classification: Likely benign for NF1-related condition. Last evaluated: 2022-12-14. Review status: no assertion criteria provided. Collection method: clinical testing. Allele origin: germline. Not counted in ClinVar's aggregate classification.
Comment: This variant is classified as likely benign based on ACMG/AMP sequence variant interpretation guidelines (Richards et al. 2015 PMID: 25741868, with internal and published modifications).